The following is an entry in ClinVar:

ClinVar aggregate classification (germline): Uncertain significance (1 of 4 stars; one submission).

Submission:

Dasa
Classification: Uncertain significance. Last evaluated: 2026-06-05. Review status: criteria provided, single submitter. Criteria: DASA Assertion Criteria. Collection method: clinical testing. Allele origin: germline.
Comment: NM_015874.6(RBPJ):c.434G>T (p.Ser145Ile) is a missense variant that results in the substitution of serine with isoleucine. This variant is rare in population databases. Computational prediction algorithms are consistent with a deleterious effect. The currently available literature and clinical evidence are not sufficient to establish a definitive association between this variant and the reported condition. Therefore, this variant is classified as a variant of uncertain significance.

NM_015874.6(RBPJ):c.434G>T (p.Ser145Ile)

Gene: RBPJ (recombination signal binding protein for immunoglobulin kappa J region; plus strand). Cytogenetic location: 4p15.2.
Variant type: single nucleotide variant.
Coding change: c.434G>T on transcript NM_015874.6 (MANE Select); coding-DNA position 434, G replaced by T.
Protein change: p.Ser145Ile; replaces serine 145 with isoleucine.
Molecular consequence: missense variant.
Genome position (GRCh38, 1-based): chr4:26,420,663, G>T. VCF-style: chr4-26420663-G-T. GRCh37 (hg19) VCF-style: chr4-26422285-G-T.
Other names: c.368G>T, p.Ser123Ile (NM_001363577.2, NM_203283.5); c.473G>T, p.Ser158Ile (NM_001374400.1, NM_001379408.1, NM_005349.4); c.431G>T, p.Ser144Ile (NM_001374401.1, NM_001374402.1, NM_001374403.1 and 3 more transcripts); c.428G>T, p.Ser143Ile (NM_001379409.1); short protein forms S123I, S143I, S144I, S145I, S158I.
Identifiers: ClinVar variation 5020423 (VCV005020423.1).